The following is an entry in ClinVar:

NM_000038.6(APC):c.5801C>T (p.Pro1934Leu)

Gene: APC (APC regulator of Wnt signaling pathway; plus strand). Cytogenetic location: 5q22.2.
Variant type: single nucleotide variant.
Coding change: c.5801C>T on transcript NM_000038.6 (MANE Select); coding-DNA position 5801, C replaced by T.
Protein change: p.Pro1934Leu; replaces proline 1934 with leucine.
Molecular consequence: missense variant.
Genome position (GRCh38, 1-based): chr5:112,841,395, C>T. VCF-style: chr5-112841395-C-T. GRCh37 (hg19) VCF-style: chr5-112177092-C-T.
Other names: p.P1934L:CCC>CTC; c.5801C>T, p.Pro1934Leu (NM_001127510.3, NM_001354895.2); c.5747C>T, p.Pro1916Leu (NM_001127511.3); c.5855C>T, p.Pro1952Leu (NM_001354896.2); c.5831C>T, p.Pro1944Leu (NM_001354897.2); c.5726C>T, p.Pro1909Leu (NM_001354898.2); c.5717C>T, p.Pro1906Leu (NM_001354899.2); c.5678C>T, p.Pro1893Leu (NM_001354900.2); and 6 more; short protein forms P1934L, P1916L, P1909L, P1651L, P1808L, P1833L, P1875L, P1906L.
Identifiers: ClinVar variation 135709 (VCV000135709.77), dbSNP rs587780600, ClinGen allele CA010706.

ClinVar aggregate classification (germline): Conflicting classifications of pathogenicity. Review status: criteria provided, conflicting classifications (1 of 4 stars). 21 submissions from 20 submitters: Uncertain significance (8); Benign (2); Likely benign (10). 1 of the submissions does not count toward it. Last evaluated 2026-01-31.

Conditions:
Gastric cancer. Also called: Stomach cancer; Malignant tumor of stomach. Identifiers: MedGen C0024623, MeSH D013274, MONDO:0001056, OMIM 613659, HP:0012126.
Colorectal cancer. Also called: Colorectal cancer, somatic; Malignant Colorectal Neoplasm. Identifiers: MedGen C0346629, MONDO:0005575, OMIM 114500.
Desmoid disease, hereditary (DESMD). Also called: FIBROMATOSIS, FAMILIAL INFILTRATIVE. Identifiers: Orphanet 873, MedGen C1851124, OMIM 135290. Disease mechanism: loss of function.
Hepatocellular carcinoma (HCC). Also called: Primary carcinoma of liver; HEPATOMA; LIVER CELL CARCINOMA. Identifiers: Orphanet 88673, MedGen C2239176, MONDO:0007256, OMIM 114550, HP:0001402.
Gastric adenocarcinoma and proximal polyposis of the stomach (GAPPS). Also called: Polyposis, gastric, Dos Santos and de Magalhaes 1980; Gastric Adenocarcinoma and Proximal Polyposis of the Stomach (GAPPS); POLYPOSIS, GASTRIC. Identifiers: Orphanet 314022, MedGen C4749917, MONDO:0017790, OMIM 619182.
Familial adenomatous polyposis 1 (FAP1). Also called: POLYPOSIS, ADENOMATOUS INTESTINAL; FAMILIAL ADENOMATOUS POLYPOSIS 1, ATTENUATED. Identifiers: MedGen C2713442, MONDO:0021056, OMIM 175100. Disease mechanism: loss of function.
Classic or attenuated familial adenomatous polyposis. Identifiers: MedGen CN372698, MONDO:0021057.
APC-related disorder. Also called: APC-related condition.
APC-Associated Polyposis Disorders.
Hereditary cancer. Identifiers: MedGen C1333600.
Carcinoma of colon (CRC). Also called: Colon carcinoma; Colonic carcinoma. Identifiers: MedGen C0699790, MONDO:0002032.
Neoplasm of stomach. Also called: Stomach Neoplasms; Gastric neoplasm; Neoplasm of the stomach. Identifiers: MedGen C0038356, MONDO:0021085, HP:0006753. Disease mechanism: gain of function. Inheritance: Somatic mutation.
Hereditary cancer-predisposing syndrome. Also called: Tumor predisposition; Hereditary neoplastic syndrome; Hereditary Cancer Syndrome; Neoplastic Syndromes, Hereditary. Identifiers: Orphanet 140162, MedGen C0027672, MeSH D009386, MONDO:0015356.
Familial multiple polyposis syndrome (FAP). Also called: Familial intestinal polyposis; Classic familial adenomatous polyposis; Familial Adenomatous Polyposis (FAP); Familial adenomatous polyposis; Familial polyposis. Identifiers: Orphanet 733, MedGen C0032580, MONDO:0021055. Disease mechanism: loss of function.
Colorectal cancer, susceptibility to. Identifiers: MedGen C1858438.

Allele frequency attached by ClinVar (database versions not stated): ExAC 0.00011; gnomAD 0.00012; gnomAD exomes 0.00014.
gnomAD v4.1: 222 of 1,613,812 alleles (0.014%); highest among the groups gnomAD compares: Admixed American, 0.033%; no homozygotes.

Submissions 1 to 12 of 21:

Labcorp Genetics (formerly Invitae), Labcorp
Classification: Likely benign for Familial adenomatous polyposis 1. Last evaluated: 2026-01-31. Review status: criteria provided, single submitter. Criteria: Invitae Variant Classification Sherloc (09022015). Collection method: clinical testing. Allele origin: germline.

Mendelics
Classification: Likely benign for Hereditary cancer. Last evaluated: 2025-02-27. Review status: criteria provided, single submitter. Criteria: ACMG Guidelines, 2015. Collection method: clinical testing. Allele origin: unknown.
Comment: This variant is considered likely benign or benign based on one or more of the following: it is predicted to be benign by multiple in silico algorithms, and/or has population frequency not consistent with disease, and/or has normal protein function, and/or has lack of segregation with disease, and/or has been detected in co-occurrence with known pathogenic variant, and/or has lack of disease association in case-control studies, and/or is located in a region inconsistent with a known cause of pathogenicity.

Molecular Diagnostics Laboratory, Catalan Institute of Oncology
Classification: Likely benign for Hereditary cancer-predisposing syndrome. Last evaluated: 2025-01-07. Review status: criteria provided, single submitter. Criteria: ClinGen ACMG Specifications APC V1.0.0. Collection method: clinical testing. Allele origin: germline.
Comment: BS1, BP1 c.5801C>T, located in exon 15 of the APC gene, is predicted to result in the substitution of Proline by Leucine at codon 1934, p.(Pro1934Leu) (BP1). The variant allele was found in 14/35074 alleles, with a filter allele frequency of 0.024% at 95% confidence, within the Admixed American population in the gnomAD v2.1.1 database (non-cancer data set) (BS1). The SpliceAI algorithm predicts no significant impact on splicing. It has been identified in individuals affected with breast cancer (internal data), multiple colorectal adenomas (PMID 18199528) and hipodiploid ALL (PMID 26580448). It has been reported in ClinVar (2x benign, 8x likely benign, 7x uncertain significance). Based on the currently available information, c.5801C>T is classified as a likely benign variant according to ClinGen-APC Guidelines version 1.

CeGaT Center for Human Genetics Tuebingen
Classification: Likely benign. Last evaluated: 2024-10-01. Review status: criteria provided, single submitter. Criteria: CeGaT Center For Human Genetics Tuebingen Variant Classification Criteria Version 2. Collection method: clinical testing. Allele origin: germline. Affected: yes. Observed: 6 variant alleles.
Comment: APC: BP1

Blueprint Genetics
Classification: Likely benign. Last evaluated: 2024-09-09. Review status: criteria provided, single submitter. Criteria: ACMG Guidelines, 2015. Collection method: clinical testing. Allele origin: germline.

Fulgent Genetics
Classification: Uncertain significance for Colorectal cancer; Hepatocellular carcinoma; Desmoid disease, hereditary; Familial adenomatous polyposis 1; Gastric cancer; Gastric adenocarcinoma and proximal polyposis of the stomach. Last evaluated: 2024-05-30. Review status: criteria provided, single submitter. Criteria: ACMG Guidelines, 2015. Collection method: clinical testing. Allele origin: germline.

Myriad Genetics, Inc.
Classification: Likely benign for Familial adenomatous polyposis 1. Last evaluated: 2024-04-02. Review status: criteria provided, single submitter. Criteria: Myriad Autosomal Dominant, Autosomal Recessive and X-Linked Classification Criteria (2023). Collection method: clinical testing. Allele origin: unknown.
Comment: This variant is considered likely benign. This variant has been observed at a population frequency that is significantly greater than expected given the associated disease prevalence and penetrance.

Department of Pathology and Laboratory Medicine, Sinai Health System
Classification: Uncertain significance for classic or attenuated familial adenomatous polyposis. Last evaluated: 2023-07-19. Review status: criteria provided, single submitter. Criteria: ACMG Guidelines, 2015. Collection method: clinical testing. Allele origin: germline. Affected: yes.

Color Diagnostics, LLC DBA Color Health
Classification: Likely benign for Hereditary cancer-predisposing syndrome. Last evaluated: 2023-04-18. Review status: criteria provided, single submitter. Criteria: ACMG Guidelines, 2015. Collection method: clinical testing. Allele origin: germline.

Quest Diagnostics Nichols Institute San Juan Capistrano
Classification: Likely benign. Last evaluated: 2023-02-23. Review status: criteria provided, single submitter. Criteria: Quest Diagnostics criteria. Collection method: clinical testing. Allele origin: unknown.

Sema4
Classification: Likely benign for Hereditary cancer-predisposing syndrome. Last evaluated: 2021-12-18. Review status: criteria provided, single submitter. Criteria: Sema4 Curation Guidelines. Collection method: curation. Allele origin: germline.

Women's Health and Genetics/Laboratory Corporation of America, LabCorp
Classification: Benign. Last evaluated: 2021-04-24. Review status: criteria provided, single submitter. Criteria: LabCorp Variant Classification Summary - May 2015. Collection method: clinical testing. Allele origin: germline.
Comment: Variant summary: APC c.5801C>T (p.Pro1934Leu) results in a non-conservative amino acid change located in the 20-amino acid beta-catenin down-regulating repeats (20AAR) (Azzopardi_APC_Cancer Res_2008) of the encoded protein sequence. Three of five in-silico tools predict a damaging effect of the variant on protein function. The variant allele was found at a frequency of 0.00014 in 249974 control chromosomes, predominantly at a frequency of 0.00041 within the Latino subpopulation in the gnomAD database. The observed variant frequency within Latino control individuals in the gnomAD database is approximately 6 fold of the estimated maximal expected allele frequency for a pathogenic variant in APC causing Familial Adenomatous Polyposis phenotype (7.1e-05), strongly suggesting that the variant is a benign polymorphism found primarily in populations of Latino origin. c.5801C>T has been reported in the literature in individuals affected with multiple colorectal adenomas (Azzopardi 2008), and in other patients with various tumor phenotypes (Zhang 2015, Shirts 2015, Pritchard 2018). In one of these reports, this variant occurred in the germline of a patient with hypodiploid ALL and is unlikely to have been the primary causative lesion associated with the patient presentation (Zhang_2015). These report(s) do not provide unequivocal conclusions about association of the variant with Familial Adenomatous Polyposis. At least one publication reports experimental evidence evaluating an impact on protein function. These results showed no damaging effect of this variant (Azzopardi 2008). Eleven clinical diagnostic laboratories have submitted clinical-significance assessments for this variant to ClinVar after 2014 without evidence for independent evaluation. Multiple laboratories reported the variant with conflicting assessments (benign/likely benign, n=2; VUS, n=9). At-least two additional submitters have re-classified this variant as likely benign/benign since our previous evaluation. One submitter cites an unspecified co-occurrence with a mutation in another gene that clearly explains a proband's phenotype. Based on the evidence outlined above, the variant was classified as benign.